The following is an entry in ClinVar:

NM_001330260.2(SCN8A):c.4586dup (p.Met1529fs)

Gene: SCN8A (sodium voltage-gated channel alpha subunit 8; plus strand). Cytogenetic location: 12q13.13.
Variant type: Duplication.
Coding change: c.4586dup on transcript NM_001330260.2 (MANE Select); coding-DNA position 4586, one base duplicated (T; older notation c.4586dupT).
Protein change: p.Met1529fs; shifts the reading frame from methionine 1529.
Molecular consequence: frameshift variant.
Genome position (GRCh38, 1-based): chr12:51,794,432, T duplicated. VCF-style (leftmost placement, unchanged base first): chr12-51794431-A-AT. GRCh37 (hg19) VCF-style: chr12-52188215-A-AT.
Other names: c.4463dup, p.Met1488fs (NM_001177984.3, NM_001369788.1); c.4586dup, p.Met1529fs (NM_014191.4); short protein forms M1488fs, M1529fs.
Identifiers: ClinVar variation 1414886 (VCV001414886.7), dbSNP rs2138919129, ClinGen allele CA2573148733.

ClinVar aggregate classification (germline): Pathogenic (1 of 4 stars; one submission).

Conditions:
Early-infantile DEE. Also called: Ohtahara syndrome; Early infantile epileptic encephalopathy with suppression bursts; Early infantile epileptic encephalopathy. Identifiers: Orphanet 1934, MedGen C0393706, MONDO:0800491.

Submission:

Labcorp Genetics (formerly Invitae), Labcorp
Classification: Pathogenic for Early-infantile DEE. Last evaluated: 2021-12-13. Review status: criteria provided, single submitter. Criteria: Invitae Variant Classification Sherloc (09022015). Collection method: clinical testing. Allele origin: germline.
Comment: For these reasons, this variant has been classified as Pathogenic. This variant has not been reported in the literature in individuals affected with SCN8A-related conditions. This variant is not present in population databases (gnomAD no frequency). This sequence change creates a premature translational stop signal (p.Met1529Ilefs*7) in the SCN8A gene. It is expected to result in an absent or disrupted protein product. Loss-of-function variants in SCN8A are known to be pathogenic (PMID: 19254928, 32651551).

Literature cited by the submitters: PubMed 19254928; PubMed 32651551.